The following is an entry in ClinVar:

ClinVar aggregate classification (germline): Uncertain significance. Review status: criteria provided, multiple submitters, no conflicts (2 of 4 stars). 2 submissions from 2 submitters: Uncertain significance (2). Last evaluated 2024-11-09.

Conditions:
Inborn genetic diseases. Identifiers: MedGen C0950123, MeSH D030342.
Congenital insensitivity to pain-hypohidrosis syndrome. Also called: HSAN VIII; Neuropathy, hereditary sensory and autonomic, type VIII. Identifiers: Orphanet 478664, MedGen C4225308, MONDO:0014662, OMIM 616488.

Allele frequency attached by ClinVar (database versions not stated): gnomAD exomes below 0.00001 and 0.00001; TOPMed below 0.00001; gnomAD 0.00001; ExAC 0.00002.

Submissions (2):

Ambry Genetics
Classification: Uncertain significance for Inborn genetic diseases. Last evaluated: 2024-11-09. Review status: criteria provided, single submitter. Criteria: Ambry Variant Classification Scheme 2023. Collection method: clinical testing. Allele origin: germline.

Labcorp Genetics (formerly Invitae), Labcorp
Classification: Uncertain significance for Congenital insensitivity to pain-hypohidrosis syndrome. Last evaluated: 2023-11-27. Review status: criteria provided, single submitter. Criteria: Invitae Variant Classification Sherloc (09022015). Collection method: clinical testing. Allele origin: germline.
Comment: This sequence change replaces methionine, which is neutral and non-polar, with threonine, which is neutral and polar, at codon 191 of the PRDM12 protein (p.Met191Thr). This variant is present in population databases (rs752370747, gnomAD 0.002%). This variant has not been reported in the literature in individuals affected with PRDM12-related conditions. ClinVar contains an entry for this variant (Variation ID: 1417384). An algorithm developed to predict the effect of missense changes on protein structure and function (PolyPhen-2) suggests that this variant¬†is likely to be tolerated. In summary, the available evidence is currently insufficient to determine the role of this variant in disease. Therefore, it has been classified as a Variant of Uncertain Significance.

NM_021619.3(PRDM12):c.572T>C (p.Met191Thr)

Gene: PRDM12 (PR/SET domain 12; plus strand). Cytogenetic location: 9q34.12.
Variant type: single nucleotide variant.
Coding change: c.572T>C on transcript NM_021619.3 (MANE Select); coding-DNA position 572, T replaced by C.
Protein change: p.Met191Thr; replaces methionine 191 with threonine.
Molecular consequence: missense variant.
Genome position (GRCh38, 1-based): chr9:130,678,530, T>C. VCF-style: chr9-130678530-T-C. GRCh37 (hg19) VCF-style: chr9-133553917-T-C.
Other names: short protein forms M191T.
Identifiers: ClinVar variation 1417384 (VCV001417384.7), dbSNP rs752370747, ClinGen allele CA5284601.